The following is an entry in ClinVar:

NM_004525.3(LRP2):c.12188G>A (p.Arg4063Gln)

Gene: LRP2 (LDL receptor related protein 2; minus strand). Cytogenetic location: 2q31.1.
Variant type: single nucleotide variant.
Coding change: c.12188G>A on transcript NM_004525.3 (MANE Select); coding-DNA position 12188, G replaced by A.
Protein change: p.Arg4063Gln; replaces arginine 4063 with glutamine.
Molecular consequence: missense variant.
Genome position (GRCh38, 1-based): chr2:169,154,567, C>T on the plus strand (G>A on the coding strand, the complement: LRP2 is on the minus strand). VCF-style: chr2-169154567-C-T. GRCh37 (hg19) VCF-style: chr2-170011077-C-T.
Other names: short protein forms R4063Q.
Identifiers: ClinVar variation 1430645 (VCV001430645.3), dbSNP rs773743636, ClinGen allele CA1952860.

ClinVar aggregate classification (germline): Uncertain significance (1 of 4 stars; one submission).

Allele frequency attached by ClinVar (database versions not stated): ExAC 0.00001; gnomAD exomes 0.00001 and 0.00002.
gnomAD v4.1: 19 of 1,613,352 alleles (0.0012%); highest among the groups gnomAD compares: East Asian, 0.0045%; no homozygotes.

Submission:

Labcorp Genetics (formerly Invitae), Labcorp
Classification: Uncertain significance. Last evaluated: 2022-08-23. Review status: criteria provided, single submitter. Criteria: Invitae Variant Classification Sherloc (09022015). Collection method: clinical testing. Allele origin: germline.
Comment: This sequence change replaces arginine, which is basic and polar, with glutamine, which is neutral and polar, at codon 4063 of the LRP2 protein (p.Arg4063Gln). This variant is present in population databases (rs773743636, gnomAD 0.03%). This variant has not been reported in the literature in individuals affected with LRP2-related conditions. ClinVar contains an entry for this variant (Variation ID: 1430645). Advanced modeling of protein sequence and biophysical properties (such as structural, functional, and spatial information, amino acid conservation, physicochemical variation, residue mobility, and thermodynamic stability) performed at Invitae indicates that this missense variant is not expected to disrupt LRP2 protein function. In summary, the available evidence is currently insufficient to determine the role of this variant in disease. Therefore, it has been classified as a Variant of Uncertain Significance.